The following is an entry in ClinVar:

NM_005554.4(KRT6A):c.1450G>A (p.Val484Ile)

Gene: KRT6A (keratin 6A; minus strand). Cytogenetic location: 12q13.13.
Variant type: single nucleotide variant.
Coding change: c.1450G>A on transcript NM_005554.4 (MANE Select); coding-DNA position 1450, G replaced by A.
Protein change: p.Val484Ile; replaces valine 484 with isoleucine.
Molecular consequence: missense variant.
Genome position (GRCh38, 1-based): chr12:52,488,078, C>T on the plus strand (G>A on the coding strand, the complement: KRT6A is on the minus strand). VCF-style: chr12-52488078-C-T. GRCh37 (hg19) VCF-style: chr12-52881862-C-T.
Other names: short protein forms V484I.
Identifiers: ClinVar variation 3619819 (VCV003619819.2).

ClinVar aggregate classification (germline): Uncertain significance (1 of 4 stars; one submission).

gnomAD v4.1: 7 of 1,614,050 alleles (0.00043%); highest among the groups gnomAD compares: Admixed American, 0.01%; no homozygotes.

Submission:

Labcorp Genetics (formerly Invitae), Labcorp
Classification: Uncertain significance. Last evaluated: 2024-07-24. Review status: criteria provided, single submitter. Criteria: Invitae Variant Classification Sherloc (09022015). Collection method: clinical testing. Allele origin: germline.
Comment: This sequence change replaces valine, which is neutral and non-polar, with isoleucine, which is neutral and non-polar, at codon 484 of the KRT6A protein (p.Val484Ile). This variant is present in population databases (no rsID available, gnomAD 0.009%). This variant has not been reported in the literature in individuals affected with KRT6A-related conditions. Advanced modeling of protein sequence and biophysical properties (such as structural, functional, and spatial information, amino acid conservation, physicochemical variation, residue mobility, and thermodynamic stability) performed at Invitae indicates that this missense variant is not expected to disrupt KRT6A protein function with a negative predictive value of 80%. In summary, the available evidence is currently insufficient to determine the role of this variant in disease. Therefore, it has been classified as a Variant of Uncertain Significance.